The following is an entry in ClinVar:

ClinVar aggregate classification (germline): Benign. Review status: criteria provided, multiple submitters, no conflicts (2 of 4 stars). 2 submissions from 2 submitters: Benign (2). Last evaluated 2016-03-28.

Allele frequency attached by ClinVar (database versions not stated): ExAC 0.01233; gnomAD 0.04045 and 0.04363; ESP Exome Variant Server 0.04090; 1000 Genomes Project 0.04553; TOPMed 0.04617; 1000 Genomes Project 30x 0.04934.
gnomAD v4.1: 12,121 of 1,614,000 alleles (0.75%); highest among the groups gnomAD compares: African/African-American, 14%; 777 homozygotes.

Submissions (2):

GeneDx
Classification: Benign. Last evaluated: 2016-03-28. Review status: criteria provided, single submitter. Criteria: GeneDx Variant Classification (06012015). Collection method: clinical testing. Allele origin: germline. Affected: yes.
Comment: This variant is considered likely benign or benign based on one or more of the following criteria: it is a conservative change, it occurs at a poorly conserved position in the protein, it is predicted to be benign by multiple in silico algorithms, and/or has population frequency not consistent with disease.

Breakthrough Genomics
Classification: Benign. Review status: criteria provided, single submitter. Criteria: ACMG Guidelines, 2015. Collection method: not provided. Allele origin: germline. Inheritance: Autosomal recessive inheritance. Affected: yes.

NM_173630.4(RTTN):c.-19T>G

Gene: RTTN (rotatin; minus strand). Cytogenetic location: 18q22.2.
Variant type: single nucleotide variant.
Coding change: c.-19T>G on transcript NM_173630.4 (MANE Select); 19 bases upstream of the start codon, T replaced by G.
Molecular consequence: 5 prime UTR variant.
Genome position (GRCh38, 1-based): chr18:70,205,677, A>C on the plus strand (T>G on the coding strand, the complement: RTTN is on the minus strand). VCF-style: chr18-70205677-A-C. GRCh37 (hg19) VCF-style: chr18-67872913-A-C.
Other names: c.-2572T>G (NM_001318520.2).
Identifiers: ClinVar variation 384132 (VCV000384132.2), dbSNP rs77804861, ClinGen allele CA8996648.